The following is an entry in ClinVar:

NM_001201543.2(FAM161A):c.1212_1213inv (p.Gly405Arg)

Gene: FAM161A (FAM161 centrosomal protein A; minus strand). Cytogenetic location: 2p15.
Variant type: Inversion.
Coding change: c.1212_1213inv on transcript NM_001201543.2 (MANE Select).
Protein change: p.Gly405Arg; replaces glycine 405 with arginine.
Molecular consequence: missense variant. On other transcripts: non-coding transcript variant (1).
Genome position: GRCh38 VCF-style: chr2-61839791-CA-TG. GRCh37 (hg19) VCF-style: chr2-62066926-CA-TG.
Other names: c.1212_1213inv, p.Gly405Arg (NM_032180.3); short protein forms G405R.
Identifiers: ClinVar variation 2159479 (VCV002159479.2), ClinGen allele CA2580067624.
Genomic context (GRCh38, chr2:61,839,791, plus strand): 5'-TAACCTTGTGTTTACACTTCAACTTTACAGCCTGTTCAGGACACCTGGGGTTCCTGCATC[CA>TG]CAAGCTGACCTACAAGGCAGAGGAGATGAGTTCTGTAAATGCTCCTGGGCTCTCAGCTGT-3'
Protein context (NP_001188472.1, residues 395-415): SSPLPCRSAC[Gly405Arg]CRNPRCPEQA

ClinVar aggregate classification (germline): Uncertain significance (1 of 4 stars; one submission).

Submission:

Labcorp Genetics (formerly Invitae), Labcorp
Classification: Uncertain significance. Last evaluated: 2023-12-07. Review status: criteria provided, single submitter. Criteria: Invitae Variant Classification Sherloc (09022015). Collection method: clinical testing. Allele origin: germline.
Comment: This sequence change replaces glycine, which is neutral and non-polar, with arginine, which is basic and polar, at codon 405 of the FAM161A protein (p.Gly405Arg). Information on the frequency of this variant in the gnomAD database is not available, as this variant may be reported differently in the database. This variant has not been reported in the literature in individuals affected with FAM161A-related conditions. ClinVar contains an entry for this variant (Variation ID: 2159479). Experimental studies and prediction algorithms are not available or were not evaluated, and the functional significance of this variant is currently unknown. In summary, the available evidence is currently insufficient to determine the role of this variant in disease. Therefore, it has been classified as a Variant of Uncertain Significance.